The following is an entry in ClinVar:

NM_021942.6(TRAPPC11):c.1934C>T (p.Ala645Val)

Gene: TRAPPC11 (trafficking protein particle complex subunit 11; plus strand). Cytogenetic location: 4q35.1.
Variant type: single nucleotide variant.
Coding change: c.1934C>T on transcript NM_021942.6 (MANE Select); coding-DNA position 1934, C replaced by T.
Protein change: p.Ala645Val; replaces alanine 645 with valine.
Molecular consequence: missense variant.
Genome position (GRCh38, 1-based): chr4:183,691,356, C>T. VCF-style: chr4-183691356-C-T. GRCh37 (hg19) VCF-style: chr4-184612509-C-T.
Other names: c.1934C>T, p.Ala645Val (NM_199053.3); short protein forms A645V.
Identifiers: ClinVar variation 1487707 (VCV001487707.6), dbSNP rs2111060645, ClinGen allele CA358870382.
Genomic context (GRCh38, chr4:183,691,356, plus strand): 5'-CCCCTGTTCACCTTTTTCAGGAATACAACCAGTTCTGTGTAATAGAAGAAGCATCCAAAG[C>T]AAATGAAGTTTTAGAAAATCTGACTCAAGGAAAGATGTGCCTAGTTCCTGGCAAAACAAG-3'
Protein context (NP_068761.4, residues 635-655): QFCVIEEASK[Ala645Val]NEVLENLTQG

ClinVar aggregate classification (germline): Uncertain significance (1 of 4 stars; one submission).

Conditions:
Autosomal recessive limb-girdle muscular dystrophy type R18 (LGMDR18). Also called: Limb-girdle muscular dystrophy, type 2S; MUSCULAR DYSTROPHY, LIMB-GIRDLE, AUTOSOMAL RECESSIVE 18; Autosomal recessive limb-girdle muscular dystrophy type 2S. Identifiers: Orphanet 369840, MedGen C4517996, MONDO:0014144, OMIM 615356.

Submission:

Labcorp Genetics (formerly Invitae), Labcorp
Classification: Uncertain significance for Autosomal recessive limb-girdle muscular dystrophy type R18. Last evaluated: 2022-11-01. Review status: criteria provided, single submitter. Criteria: Invitae Variant Classification Sherloc (09022015). Collection method: clinical testing. Allele origin: germline.
Comment: This sequence change replaces alanine, which is neutral and non-polar, with valine, which is neutral and non-polar, at codon 645 of the TRAPPC11 protein (p.Ala645Val). This variant is not present in population databases (gnomAD no frequency). This variant has not been reported in the literature in individuals affected with TRAPPC11-related conditions. In summary, the available evidence is currently insufficient to determine the role of this variant in disease. Therefore, it has been classified as a Variant of Uncertain Significance. Algorithms developed to predict the effect of missense changes on protein structure and function output the following: SIFT: "Tolerated"; PolyPhen-2: "Benign"; Align-GVGD: "Class C0". The valine amino acid residue is found in multiple mammalian species, which suggests that this missense change does not adversely affect protein function. ClinVar contains an entry for this variant (Variation ID: 1487707).